The following is an entry in ClinVar:

ClinVar aggregate classification (germline): Uncertain significance (1 of 4 stars; one submission).

Submission:

Labcorp Genetics (formerly Invitae), Labcorp
Classification: Uncertain significance. Last evaluated: 2025-03-09. Review status: criteria provided, single submitter. Criteria: Invitae Variant Classification Sherloc (09022015). Collection method: clinical testing. Allele origin: germline.
Comment: This variant, c.2210_2212del, results in the deletion of 1 amino acid(s) of the CSF1R protein (p.Phe737del), but otherwise preserves the integrity of the reading frame. This variant is not present in population databases (gnomAD no frequency). This variant has not been reported in the literature in individuals affected with CSF1R-related conditions. ClinVar contains an entry for this variant (Variation ID: 1419895). Experimental studies and prediction algorithms are not available or were not evaluated, and the functional significance of this variant is currently unknown. In summary, the available evidence is currently insufficient to determine the role of this variant in disease. Therefore, it has been classified as a Variant of Uncertain Significance.

NM_001288705.3(CSF1R):c.2210_2212del (p.Phe737del)

Gene: CSF1R (colony stimulating factor 1 receptor; minus strand). Cytogenetic location: 5q32.
Variant type: Deletion.
Coding change: c.2210_2212del on transcript NM_001288705.3 (MANE Select); coding-DNA positions 2210 to 2212, 3 bases deleted (TCT; older notation c.2210_2212delTCT).
Protein change: p.Phe737del; deletes phenylalanine 737.
Molecular consequence: inframe deletion. On other transcripts: non-coding transcript variant (2).
Genome position (GRCh38, 1-based): chr5:150,057,513-150,057,515, AGA deleted on the plus strand (TCT on the coding strand, the reverse complement: CSF1R is on the minus strand); deleting any 3 consecutive bases within chr5:150,057,513-150,057,517 gives the same sequence; the c. name uses the placement nearest the transcript's 3' end. VCF-style (leftmost placement, unchanged base first): chr5-150057512-GAGA-G. GRCh37 (hg19) VCF-style: chr5-149437075-GAGA-G.
Other names: c.2210_2212del, p.Phe737del (NM_001349736.2, NM_001375320.1, NM_005211.4); c.1766_1768del, p.Phe589del (NM_001375321.1); short protein forms F737del, F589del.
Identifiers: ClinVar variation 1419895 (VCV001419895.8), dbSNP rs1757278522, ClinGen allele CA1590773032.
Genomic context (GRCh38, chr5:150,057,512, plus strand): 5'-TCCTTTTCCCTTGTTATCAAGCAAATGGGGCCTGGCCCTGGGACCTCCTCACCTTGCTCA[GAGA>G]AGGAGTCATTTGAAGAAGTGGAGACAGGCCTCATCTCCACATAGGTGTCCACACCCTGGC-3'